The following is an entry in ClinVar:

ClinVar aggregate classification (germline): Uncertain significance. Review status: criteria provided, multiple submitters, no conflicts (2 of 4 stars). 3 submissions from 3 submitters: Uncertain significance (2). 1 of the submissions does not count toward it. Last evaluated 2025-08-09.

Conditions:
CNTNAP1-related disorder. Also called: CNTNAP1-related condition; CNTNAP1-related disease.
Inborn genetic diseases. Identifiers: MedGen C0950123, MeSH D030342.

gnomAD v4.1: 5 of 1,614,028 alleles (0.00031%); highest among the groups gnomAD compares: African/African-American, 0.004%; no homozygotes.

Submissions (3):

Ambry Genetics
Classification: Uncertain significance for Inborn genetic diseases. Last evaluated: 2025-08-09. Review status: criteria provided, single submitter. Criteria: Ambry Variant Classification Scheme 2023. Collection method: clinical testing. Allele origin: germline.

GeneDx
Classification: Uncertain significance. Last evaluated: 2023-05-14. Review status: criteria provided, single submitter. Criteria: GeneDx Variant Classification Process June 2021. Collection method: clinical testing. Allele origin: germline. Affected: yes.
Comment: Not observed at significant frequency in large population cohorts (gnomAD); In silico analysis supports that this missense variant does not alter protein structure/function; Has not been previously published as pathogenic or benign to our knowledge

PreventionGenetics, part of Exact Sciences
Classification: Uncertain significance for CNTNAP1-related condition. Last evaluated: 2024-07-03. Review status: no assertion criteria provided. Collection method: clinical testing. Allele origin: germline. Not counted in ClinVar's aggregate classification.
Comment: The CNTNAP1 c.2035A>C variant is predicted to result in the amino acid substitution p.Asn679His. To our knowledge, this variant has not been reported in the literature. This variant is reported in 0.0080% of alleles in individuals of African descent in gnomAD. At this time, the clinical significance of this variant is uncertain due to the absence of conclusive functional and genetic evidence.

NM_003632.3(CNTNAP1):c.2035A>C (p.Asn679His)

Gene: CNTNAP1 (contactin associated protein 1; plus strand). Cytogenetic location: 17q21.2.
Variant type: single nucleotide variant.
Coding change: c.2035A>C on transcript NM_003632.3 (MANE Select); coding-DNA position 2035, A replaced by C.
Protein change: p.Asn679His; replaces asparagine 679 with histidine.
Molecular consequence: missense variant.
Genome position (GRCh38, 1-based): chr17:42,690,918, A>C. VCF-style: chr17-42690918-A-C. GRCh37 (hg19) VCF-style: chr17-40842936-A-C.
Other names: short protein forms N679H.
Identifiers: ClinVar variation 3343381 (VCV003343381.2).